The following is an entry in ClinVar:

NM_001267550.2(TTN):c.72819C>T (p.Asn24273=)

Genes: TTN (titin; minus strand), TTN-AS1 (TTN antisense RNA 1; plus strand). Cytogenetic location: 2q31.2.
Variant type: single nucleotide variant.
Coding change: c.72819C>T on transcript NM_001267550.2 (MANE Select); coding-DNA position 72819, C replaced by T.
Protein change: p.Asn24273=; no amino-acid change (asparagine 24273 retained).
Molecular consequence: synonymous variant.
Genome position (GRCh38, 1-based): chr2:178,573,313, G>A on the plus strand (C>T on the coding strand, the complement: TTN is on the minus strand). VCF-style: chr2-178573313-G-A. GRCh37 (hg19) VCF-style: chr2-179438040-G-A.
Other names: c.67896C>T, p.Asn22632= (NM_001256850.1); c.45624C>T, p.Asn15208= (NM_003319.4); c.65115C>T, p.Asn21705= (NM_133378.4); c.45999C>T, p.Asn15333= (NM_133432.3); c.46200C>T, p.Asn15400= (NM_133437.4).
Identifiers: ClinVar variation 516970 (VCV000516970.9), dbSNP rs575014550, ClinGen allele CA1990447.

ClinVar aggregate classification (germline): Likely benign. Review status: criteria provided, multiple submitters, no conflicts (2 of 4 stars). 2 submissions from 2 submitters: Likely benign (2). Last evaluated 2025-06-18.

Conditions:
Dilated cardiomyopathy 1G (CMD1G). Identifiers: Orphanet 154, MedGen C1858763, MONDO:0011400, OMIM 604145.
Autosomal recessive limb-girdle muscular dystrophy type 2J (LGMDR10). Also called: Limb-girdle muscular dystrophy, type 2J; MUSCULAR DYSTROPHY, LIMB-GIRDLE, AUTOSOMAL RECESSIVE 10. Identifiers: Orphanet 140922, MedGen C1837342, MONDO:0012127, OMIM 608807.

Allele frequency attached by ClinVar (database versions not stated): gnomAD 0.00001; gnomAD exomes 0.00001 and 0.00003; ExAC 0.00003; 1000 Genomes Project 30x 0.00016; 1000 Genomes Project 0.00020.
gnomAD v4.1: 11 of 1,572,024 alleles (0.0007%); highest among the groups gnomAD compares: South Asian, 0.0096%; no homozygotes.

Submissions (2):

Labcorp Genetics (formerly Invitae), Labcorp
Classification: Likely benign for Dilated cardiomyopathy 1G; Autosomal recessive limb-girdle muscular dystrophy type 2J. Last evaluated: 2025-06-18. Review status: criteria provided, single submitter. Criteria: Invitae Variant Classification Sherloc (09022015). Collection method: clinical testing. Allele origin: germline.

GeneDx
Classification: Likely benign. Last evaluated: 2017-05-22. Review status: criteria provided, single submitter. Criteria: GeneDx Variant Classification (06012015). Collection method: clinical testing. Allele origin: germline. Affected: yes.
Comment: This variant is considered likely benign or benign based on one or more of the following criteria: it is a conservative change, it occurs at a poorly conserved position in the protein, it is predicted to be benign by multiple in silico algorithms, and/or has population frequency not consistent with disease.